The following is an entry in ClinVar:

NM_002439.5(MSH3):c.3212A>T (p.Asn1071Ile)

Gene: MSH3 (mutS homolog 3; plus strand). Cytogenetic location: 5q14.1.
Variant type: single nucleotide variant.
Coding change: c.3212A>T on transcript NM_002439.5 (MANE Select); coding-DNA position 3212, A replaced by T.
Protein change: p.Asn1071Ile; replaces asparagine 1071 with isoleucine.
Molecular consequence: missense variant.
Genome position (GRCh38, 1-based): chr5:80,873,197, A>T. VCF-style: chr5-80873197-A-T. GRCh37 (hg19) VCF-style: chr5-80169016-A-T.
Other names: short protein forms N1071I.
Identifiers: ClinVar variation 1728953 (VCV001728953.5), dbSNP rs2478805070, ClinGen allele CA360346952.
Genomic context (GRCh38, chr5:80,873,197, plus strand): 5'-ATTTTGTCACCTTCCTTTACCAAATAACTAGAGGAATTGCAGCAAGGAGTTATGGATTAA[A>T]TGTGGCTAAACTAGCAGATGTTCCTGGAGAAATTTTGAAGAAAGCAGCTCACAAGTCAAA-3'
Protein context (NP_002430.3, residues 1061-1081): RGIAARSYGL[Asn1071Ile]VAKLADVPGE

ClinVar aggregate classification (germline): Uncertain significance. Review status: criteria provided, multiple submitters, no conflicts (2 of 4 stars). 2 submissions from 2 submitters: Uncertain significance (2). Last evaluated 2023-05-03.

Conditions:
Hereditary cancer-predisposing syndrome. Also called: Tumor predisposition; Neoplastic Syndromes, Hereditary; Hereditary Cancer Syndrome; Hereditary neoplastic syndrome. Identifiers: Orphanet 140162, MedGen C0027672, MeSH D009386, MONDO:0015356.

Submissions (2):

Labcorp Genetics (formerly Invitae), Labcorp
Classification: Uncertain significance. Last evaluated: 2023-05-03. Review status: criteria provided, single submitter. Criteria: Invitae Variant Classification Sherloc (09022015). Collection method: clinical testing. Allele origin: germline.
Comment: In summary, the available evidence is currently insufficient to determine the role of this variant in disease. Therefore, it has been classified as a Variant of Uncertain Significance. An algorithm developed to predict the effect of missense changes on protein structure and function (PolyPhen-2) suggests that this variant is likely to be disruptive. ClinVar contains an entry for this variant (Variation ID: 1728953). This variant has not been reported in the literature in individuals affected with MSH3-related conditions. This variant is not present in population databases (gnomAD no frequency). This sequence change replaces asparagine, which is neutral and polar, with isoleucine, which is neutral and non-polar, at codon 1071 of the MSH3 protein (p.Asn1071Ile).

Ambry Genetics
Classification: Uncertain significance for Hereditary cancer-predisposing syndrome. Last evaluated: 2022-02-15. Review status: criteria provided, single submitter. Criteria: Ambry Variant Classification Scheme 2023. Collection method: clinical testing. Allele origin: germline.
Comment: The p.N1071I variant (also known as c.3212A>T), located in coding exon 23 of the MSH3 gene, results from an A to T substitution at nucleotide position 3212. The asparagine at codon 1071 is replaced by isoleucine, an amino acid with dissimilar properties. This amino acid position is conserved. In addition, this alteration is predicted to be deleterious by in silico analysis. Since supporting evidence is limited at this time, the clinical significance of this alteration remains unclear.